The following is an entry in ClinVar:

NM_002439.5(MSH3):c.1218G>C (p.Gln406His)

Gene: MSH3 (mutS homolog 3; plus strand). Cytogenetic location: 5q14.1.
Variant type: single nucleotide variant.
Coding change: c.1218G>C on transcript NM_002439.5 (MANE Select); coding-DNA position 1218, G replaced by C.
Protein change: p.Gln406His; replaces glutamine 406 with histidine.
Molecular consequence: missense variant.
Genome position (GRCh38, 1-based): chr5:80,678,971, G>C. VCF-style: chr5-80678971-G-C. GRCh37 (hg19) VCF-style: chr5-79974790-G-C.
Other names: c.1218G>C (NM_002439.3); short protein forms Q406H.
Identifiers: ClinVar variation 4714731 (VCV004714731.2).

ClinVar aggregate classification (germline): Uncertain significance. Review status: criteria provided, multiple submitters, no conflicts (2 of 4 stars). 2 submissions from 2 submitters: Uncertain significance (2). Last evaluated 2026-05-15.

Conditions:
Hereditary cancer-predisposing syndrome. Also called: Neoplastic Syndromes, Hereditary; Tumor predisposition; Hereditary Cancer Syndrome; Hereditary neoplastic syndrome. Identifiers: Orphanet 140162, MedGen C0027672, MeSH D009386, MONDO:0015356.

Submissions (2):

Ambry Genetics
Classification: Uncertain significance for Hereditary cancer-predisposing syndrome. Last evaluated: 2026-05-15. Review status: criteria provided, single submitter. Criteria: Ambry Variant Classification Scheme 2023. Collection method: clinical testing. Allele origin: germline.
Comment: The p.Q406H variant (also known as c.1218G>C), located in coding exon 8 of the MSH3 gene, results from a G to C substitution at nucleotide position 1218. The glutamine at codon 406 is replaced by histidine, an amino acid with highly similar properties. This amino acid position is conserved. In addition, this alteration is predicted to be tolerated by in silico analysis. Based on the available evidence, the clinical significance of this variant remains unclear.

Labcorp Genetics (formerly Invitae), Labcorp
Classification: Uncertain significance. Last evaluated: 2025-03-18. Review status: criteria provided, single submitter. Criteria: Invitae Variant Classification Sherloc (09022015). Collection method: clinical testing. Allele origin: germline.
Comment: This sequence change replaces glutamine, which is neutral and polar, with histidine, which is basic and polar, at codon 406 of the MSH3 protein (p.Gln406His). This variant is not present in population databases (gnomAD no frequency). This variant has not been reported in the literature in individuals affected with MSH3-related conditions. An algorithm developed to predict the effect of missense changes on protein structure and function (PolyPhen-2) suggests that this variant is likely to be tolerated. In summary, the available evidence is currently insufficient to determine the role of this variant in disease. Therefore, it has been classified as a Variant of Uncertain Significance.